The following is an entry in ClinVar:

NM_001163809.2(WDR81):c.626C>A (p.Pro209His)

Gene: WDR81 (WD repeat domain 81; plus strand). Cytogenetic location: 17p13.3.
Variant type: single nucleotide variant.
Coding change: c.626C>A on transcript NM_001163809.2 (MANE Select); coding-DNA position 626, C replaced by A.
Protein change: p.Pro209His; replaces proline 209 with histidine.
Molecular consequence: missense variant. On other transcripts: intron variant (3).
Genome position (GRCh38, 1-based): chr17:1,725,585, C>A. VCF-style: chr17-1725585-C-A. GRCh37 (hg19) VCF-style: chr17-1628879-C-A.
Other names: p.Pro209His; c.-123-2405C>A (NM_152348.4); c.59-4795C>A (NM_001163673.2); c.-15+799C>A (NM_001163811.2); short protein forms P209H.
Identifiers: ClinVar variation 732182 (VCV000732182.7), dbSNP rs200343855, ClinGen allele CA8272992.

ClinVar aggregate classification (germline): Likely benign. Review status: criteria provided, multiple submitters, no conflicts (2 of 4 stars). 2 submissions from 2 submitters: Likely benign (2). Last evaluated 2025-04-23.

Conditions:
Cerebellar ataxia, impaired intellectual development, and dysequilibrium syndrome 2. Also called: CEREBELLAR ATAXIA, MENTAL RETARDATION, AND DYSEQUILIBRIUM SYNDROME 2; CEREBELLAR ATAXIA AND MENTAL RETARDATION WITH OR WITHOUT QUADRUPEDAL LOCOMOTION 2; Cerebellar ataxia, intellectual disability, and dysequilibrium syndrome 2. Identifiers: Orphanet 1766, MedGen C2750234, MONDO:0012430, OMIM 610185.

Allele frequency attached by ClinVar (database versions not stated): ExAC 0.00048; gnomAD 0.00003; TOPMed 0.00014.
gnomAD v4.1: 233 of 1,545,108 alleles (0.015%); highest among the groups gnomAD compares: Admixed American, 0.0039%; 1 homozygote.

Submissions (2):

Mayo Clinic Laboratories, Mayo Clinic
Classification: Likely benign. Last evaluated: 2025-04-23. Review status: criteria provided, single submitter. Criteria: ACMG Guidelines, 2015. Collection method: clinical testing. Allele origin: germline. Observed: 1 variant allele.
Comment: BS1, BP4_moderate

Labcorp Genetics (formerly Invitae), Labcorp
Classification: Likely benign. Last evaluated: 2019-12-31. Review status: criteria provided, single submitter. Criteria: Invitae Variant Classification Sherloc (09022015). Collection method: clinical testing. Allele origin: germline.